The following is an entry in ClinVar:

ClinVar aggregate classification (germline): Uncertain significance. Review status: criteria provided, multiple submitters, no conflicts (2 of 4 stars). 4 submissions from 4 submitters: Uncertain significance (4). Last evaluated 2025-04-17.

Conditions:
RTEL1-related disorder. Also called: RTEL1-related disorders; RTEL1-related condition.
Pulmonary fibrosis and/or bone marrow failure, Telomere-related, 3. Also called: PULMONARY FIBROSIS AND/OR BONE MARROW FAILURE SYNDROME, TELOMERE-RELATED, 3. Identifiers: Orphanet 2032, MedGen C4225346, MONDO:0014613, OMIM 616373.
Dyskeratosis congenita, autosomal recessive 5 (DKCB5). Identifiers: MedGen C3554656, MONDO:0014076, OMIM 615190.
Dyskeratosis congenita. Identifiers: Orphanet 1775, MedGen C0265965, MONDO:0015780.

Allele frequency attached by ClinVar (database versions not stated): gnomAD 0.00001 and 0.00003; gnomAD exomes 0.00001 and 0.00005; TOPMed 0.00002; ExAC 0.00003; 1000 Genomes Project 30x 0.00016; 1000 Genomes Project 0.00020.
gnomAD v4.1: 20 of 1,613,862 alleles (0.0012%); highest among the groups gnomAD compares: East Asian, 0.038%; no homozygotes.

Submissions (4):

Labcorp Genetics (formerly Invitae), Labcorp
Classification: Uncertain significance for Dyskeratosis congenita, autosomal recessive 5; Pulmonary fibrosis and/or bone marrow failure, Telomere-related, 3. Last evaluated: 2025-04-17. Review status: criteria provided, single submitter. Criteria: Invitae Variant Classification Sherloc (09022015). Collection method: clinical testing. Allele origin: germline.
Comment: This sequence change replaces valine, which is neutral and non-polar, with alanine, which is neutral and non-polar, at codon 178 of the RTEL1 protein (p.Val178Ala). This variant is present in population databases (rs199685200, gnomAD 0.06%). This missense change has been observed in individual(s) with myelodysplastic syndrome (PMID: 29344583). ClinVar contains an entry for this variant (Variation ID: 1439895). An algorithm developed to predict the effect of missense changes on protein structure and function (PolyPhen-2) suggests that this variant is likely to be disruptive. In summary, the available evidence is currently insufficient to determine the role of this variant in disease. Therefore, it has been classified as a Variant of Uncertain Significance.

PreventionGenetics, part of Exact Sciences
Classification: Uncertain significance for RTEL1-related condition. Last evaluated: 2023-03-31. Review status: criteria provided, single submitter. Criteria: ACMG Guidelines, 2015. Collection method: clinical testing. Allele origin: germline.
Comment: The RTEL1 c.605T>C variant is predicted to result in the amino acid substitution p.Val202Ala. To our knowledge, this variant has not been reported in the literature in individuals with RTEL1-related disorders. This variant is reported in 0.060% of alleles in individuals of East Asian descent in gnomAD. Although we suspect that this variant may be benign, at this time, the clinical significance of this variant is uncertain due to the absence of conclusive functional and genetic evidence.

Sema4
Classification: Uncertain significance for Dyskeratosis congenita. Last evaluated: 2021-11-27. Review status: criteria provided, single submitter. Criteria: Sema4 Curation Guidelines. Collection method: curation. Allele origin: germline.
Comment: The RTEL1 c.533T>C (p.V178A) variant has been reported in 1 individual with myelodysplastic syndrome, laryngeal squamous cell cancer and small cell lung cancer (PMID: 29344583). It is reported in patients with with glioma and controls (PMID: 30462709, 28979815). This variant was observed in 12/19950 chromosomes in the East Asian subpopulation according to the Genome Aggregation Database (PMID: 32461654). This variant has not been reported in ClinVar. In silico tools suggest the impact of the variant on protein function is inconclusive, though these predictions have not been confirmed by functional studies. The evidence is insufficient to meet ACMG/AMP criteria for classifying the variant as benign or pathogenic. Thus, the clinical significance of this variant is currently uncertain.

Blueprint Genetics
Classification: Uncertain significance. Last evaluated: 2020-09-10. Review status: criteria provided, single submitter. Criteria: ACMG Guidelines, 2015. Collection method: clinical testing. Allele origin: germline.

Literature cited by the submitters: PubMed 29344583 (cited by Labcorp Genetics (formerly Invitae), Labcorp and Sema4); PubMed 30462709 (cited by Sema4); PubMed 28979815 (cited by Sema4).

NM_001283009.2(RTEL1):c.533T>C (p.Val178Ala)

Genes: RTEL1-TNFRSF6B (RTEL1-TNFRSF6B readthrough (NMD candidate); plus strand), RTEL1 (regulator of telomere elongation helicase 1; plus strand). Cytogenetic location: 20q13.33.
Variant type: single nucleotide variant.
Coding change: c.533T>C on transcript NM_001283009.2 (MANE Select); coding-DNA position 533, T replaced by C.
Protein change: p.Val178Ala; replaces valine 178 with alanine.
Molecular consequence: missense variant. On other transcripts: non-coding transcript variant (1), 5 prime UTR variant (1).
Genome position (GRCh38, 1-based): chr20:63,662,884, T>C. VCF-style: chr20-63662884-T-C. GRCh37 (hg19) VCF-style: chr20-62294237-T-C.
Other names: c.-137T>C (NM_001283010.1); c.533T>C, p.Val178Ala (NM_016434.4); c.605T>C, p.Val202Ala (NM_032957.5); c.605T>C (NM_032957.4); short protein forms V202A, V178A.
Identifiers: ClinVar variation 1439895 (VCV001439895.9), dbSNP rs199685200, ClinGen allele CA9964311.